The following is an entry in ClinVar:

NC_000023.10:g.(?_32328189)_(32408308_?)del

Gene: DMD (dystrophin; minus strand). Cytogenetic location: Xp21.1.
Variant type: Deletion.
Identifiers: ClinVar variation 1460317 (VCV001460317.7).

ClinVar aggregate classification (germline): Pathogenic (1 of 4 stars; one submission).

Conditions:
Duchenne muscular dystrophy (DMD). Also called: Duchenne Muscular Dystrophy (DMD); MUSCULAR DYSTROPHY, PSEUDOHYPERTROPHIC PROGRESSIVE, DUCHENNE TYPE. Identifiers: Orphanet 98896, MedGen C0013264, MONDO:0010679, OMIM 310200.

Submission:

Labcorp Genetics (formerly Invitae), Labcorp
Classification: Pathogenic for Duchenne muscular dystrophy. Last evaluated: 2021-03-12. Review status: criteria provided, single submitter. Criteria: Invitae Variant Classification Sherloc (09022015). Collection method: clinical testing. Allele origin: germline.
Comment: For these reasons, this variant has been classified as Pathogenic. The region of the DMD gene that includes exon(s) 40 has been determined to be clinically significant (PMID: 21520333, 28116794). Therefore, deletions that encompass that region are likely to disrupt protein function and cause disease. This variant has not been reported in the literature in individuals with DMD-related conditions. This variant is a gross deletion of the genomic region encompassing exon(s) 31-42 of the DMD gene. This variant would be expected to be in-frame, preserving the integrity of the reading frame.

Literature cited by the submitters: PubMed 21520333; PubMed 28116794.